The following is an entry in ClinVar:

NM_000075.4(CDK4):c.136G>A (p.Gly46Arg)

Genes: CDK4 (cyclin dependent kinase 4; minus strand), LOC130008148 (ATAC-STARR-seq lymphoblastoid silent region 4588; plus strand). Cytogenetic location: 12q14.1.
Variant type: single nucleotide variant.
Coding change: c.136G>A on transcript NM_000075.4 (MANE Select); coding-DNA position 136, G replaced by A.
Protein change: p.Gly46Arg; replaces glycine 46 with arginine.
Molecular consequence: missense variant.
Genome position (GRCh38, 1-based): chr12:57,751,582, C>T on the plus strand (G>A on the coding strand, the complement: CDK4 is on the minus strand). VCF-style: chr12-57751582-C-T. GRCh37 (hg19) VCF-style: chr12-58145365-C-T.
Other names: short protein forms G46R.
Identifiers: ClinVar variation 1385150 (VCV001385150.6), dbSNP rs868244884, ClinGen allele CA237844544.

ClinVar aggregate classification (germline): Uncertain significance (1 of 4 stars; one submission).

Conditions:
Familial melanoma. Also called: Hereditary melanoma; Hereditary cutaneous melanoma. Identifiers: Orphanet 618, MedGen C1512419, MONDO:0018961.

Submission:

Labcorp Genetics (formerly Invitae), Labcorp
Classification: Uncertain significance for Familial melanoma. Last evaluated: 2023-02-01. Review status: criteria provided, single submitter. Criteria: Invitae Variant Classification Sherloc (09022015). Collection method: clinical testing. Allele origin: germline.
Comment: This variant has not been reported in the literature in individuals affected with CDK4-related conditions. In summary, the available evidence is currently insufficient to determine the role of this variant in disease. Therefore, it has been classified as a Variant of Uncertain Significance. Algorithms developed to predict the effect of missense changes on protein structure and function (SIFT, PolyPhen-2, Align-GVGD) all suggest that this variant is likely to be tolerated. ClinVar contains an entry for this variant (Variation ID: 1385150). This variant is not present in population databases (gnomAD no frequency). This sequence change replaces glycine, which is neutral and non-polar, with arginine, which is basic and polar, at codon 46 of the CDK4 protein (p.Gly46Arg).